The following is an entry in ClinVar:

NM_001377142.1(PLCB4):c.1414+15C>T

Gene: PLCB4 (phospholipase C beta 4; plus strand). Cytogenetic location: 20p12.2.
Variant type: single nucleotide variant.
Coding change: c.1414+15C>T on transcript NM_001377142.1 (MANE Select); 15 bases into the intron after coding-DNA position 1414, C replaced by T.
Molecular consequence: intron variant.
Genome position (GRCh38, 1-based): chr20:9,393,693, C>T. VCF-style: chr20-9393693-C-T. GRCh37 (hg19) VCF-style: chr20-9374340-C-T.
Other names: c.1414+15C>T (NM_001377134.2, NM_000933.4, NM_182797.3 and 4 more transcripts).
Identifiers: ClinVar variation 896105 (VCV000896105.4), dbSNP rs377545373, ClinGen allele CA9761086.

ClinVar aggregate classification (germline): Benign (1 of 4 stars; one submission).

Conditions:
Auriculocondylar syndrome 2 (ARCND2A). Also called: AURICULOCONDYLAR SYNDROME 2A. Identifiers: Orphanet 137888, MedGen C3553404, MONDO:0013845, OMIM 614669.

Allele frequency attached by ClinVar (database versions not stated): gnomAD exomes 0.00006 and 0.00016; TOPMed 0.00009; ExAC 0.00011; gnomAD 0.00011 and 0.00012; ESP Exome Variant Server 0.00015.
gnomAD v4.1: 107 of 1,489,916 alleles (0.0072%); highest among the groups gnomAD compares: South Asian, 0.0034%; no homozygotes.

Submission:

Illumina Laboratory Services, Illumina
Classification: Benign for Auriculocondylar syndrome 2. Last evaluated: 2018-03-06. Review status: criteria provided, single submitter. Criteria: ICSL Variant Classification Criteria 13 December 2019. Collection method: clinical testing. Allele origin: germline.
Comment: This variant was observed in the ICSL laboratory as part of a predisposition screen in an ostensibly healthy population. It had not been previously curated by ICSL or reported in the Human Gene Mutation Database (HGMD: prior to June 1st, 2018), and was therefore a candidate for classification through an automated scoring system. Utilizing variant allele frequency, disease prevalence and penetrance estimates, and inheritance mode, an automated score was calculated to assess if this variant is too frequent to cause the disease. Based on the score and internal cut-off values, a variant classified as benign is not then subjected to further curation. The score for this variant resulted in a classification of benign for this disease.